The following is an entry in ClinVar:

ClinVar aggregate classification (germline): Uncertain significance. Review status: criteria provided, multiple submitters, no conflicts (2 of 4 stars). 4 submissions from 4 submitters: Uncertain significance (3). 1 of the submissions does not count toward it. Last evaluated 2024-03-12.

Conditions:
Bardet-Biedl syndrome 6 (BBS6). Identifiers: Orphanet 110, MedGen C1858054, MONDO:0011523, OMIM 605231.
McKusick-Kaufman syndrome (MKKS). Also called: HYDROMETROCOLPOS SYNDROME; HYDROMETROCOLPOS, POSTAXIAL POLYDACTYLY, AND CONGENITAL HEART MALFORMATION. Identifiers: Orphanet 2473, MedGen C0948368, MONDO:0009367, OMIM 236700.
MKKS-related disorder. Also called: MKKS-related disorders; MKKS-related condition.
Bardet-Biedl syndrome (BBS). Identifiers: Orphanet 110, MedGen C0752166, MONDO:0015229.

Allele frequency attached by ClinVar (database versions not stated): ESP Exome Variant Server 0.00023; TOPMed 0.00008.

Submissions (4):

Fulgent Genetics
Classification: Uncertain significance for McKusick-Kaufman syndrome; Bardet-Biedl syndrome 6. Last evaluated: 2024-03-12. Review status: criteria provided, single submitter. Criteria: ACMG Guidelines, 2015. Collection method: clinical testing. Allele origin: germline.

Department of Pathology and Laboratory Medicine, Sinai Health System
Classification: Uncertain significance for McKusick-Kaufman syndrome; Bardet-Biedl syndrome 6. Last evaluated: 2021-11-09. Review status: criteria provided, single submitter. Criteria: ACMG Guidelines, 2015. Collection method: research. Allele origin: germline.

Labcorp Genetics (formerly Invitae), Labcorp
Classification: Uncertain significance for McKusick-Kaufman syndrome; Bardet-Biedl syndrome. Last evaluated: 2021-08-30. Review status: criteria provided, single submitter. Criteria: Invitae Variant Classification Sherloc (09022015). Collection method: clinical testing. Allele origin: germline.
Comment: This sequence change replaces serine with glycine at codon 547 of the MKKS protein (p.Ser547Gly). The serine residue is moderately conserved and there is a small physicochemical difference between serine and glycine. This variant is present in population databases (rs149095209, ExAC 0.01%). This variant has not been reported in the literature in individuals affected with MKKS-related conditions. Algorithms developed to predict the effect of missense changes on protein structure and function output the following: SIFT: "Tolerated"; PolyPhen-2: "Benign"; Align-GVGD: "Class C0". The glycine amino acid residue is found in multiple mammalian species, which suggests that this missense change does not adversely affect protein function. In summary, the available evidence is currently insufficient to determine the role of this variant in disease. Therefore, it has been classified as a Variant of Uncertain Significance.

PreventionGenetics, part of Exact Sciences
Classification: Uncertain significance for MKKS-related condition. Last evaluated: 2024-04-18. Review status: no assertion criteria provided. Collection method: clinical testing. Allele origin: germline. Not counted in ClinVar's aggregate classification.
Comment: The MKKS c.1639A>G variant is predicted to result in the amino acid substitution p.Ser547Gly. To our knowledge, this variant has not been reported in the literature. This variant is reported in 0.012% of alleles in individuals of African descent in gnomAD. At this time, the clinical significance of this variant is uncertain due to the absence of conclusive functional and genetic evidence.

NM_170784.3(MKKS):c.1639A>G (p.Ser547Gly)

Gene: MKKS (MKKS centrosomal shuttling protein; minus strand). Cytogenetic location: 20p12.2.
Variant type: single nucleotide variant.
Coding change: c.1639A>G on transcript NM_170784.3 (MANE Select); coding-DNA position 1639, A replaced by G.
Protein change: p.Ser547Gly; replaces serine 547 with glycine.
Molecular consequence: missense variant. On other transcripts: non-coding transcript variant (1).
Genome position (GRCh38, 1-based): chr20:10,405,321, T>C on the plus strand (A>G on the coding strand, the complement: MKKS is on the minus strand). VCF-style: chr20-10405321-T-C. GRCh37 (hg19) VCF-style: chr20-10385969-T-C.
Other names: c.1639A>G, p.Ser547Gly (NM_018848.3); short protein forms S547G.
Identifiers: ClinVar variation 1002079 (VCV001002079.9), dbSNP rs149095209, ClinGen allele CA9763450.